The following is an entry in ClinVar:

ClinVar aggregate classification (germline): Uncertain significance (1 of 4 stars; one submission).

Submission:

Labcorp Genetics (formerly Invitae), Labcorp
Classification: Uncertain significance. Last evaluated: 2023-03-15. Review status: criteria provided, single submitter. Criteria: Invitae Variant Classification Sherloc (09022015). Collection method: clinical testing. Allele origin: germline.
Comment: In summary, the available evidence is currently insufficient to determine the role of this variant in disease. Therefore, it has been classified as a Variant of Uncertain Significance. Algorithms developed to predict the effect of sequence changes on RNA splicing suggest that this variant may create or strengthen a splice site. This variant has not been reported in the literature in individuals affected with RASA2-related conditions. This variant is not present in population databases (gnomAD no frequency). This sequence change creates a premature translational stop signal (p.Thr230Aspfs*5) in the RASA2 gene. It is expected to result in an absent or disrupted protein product. However, the current clinical and genetic evidence is not sufficient to establish whether loss-of-function variants in RASA2 cause disease.

NM_006506.5(RASA2):c.687_688insG (p.Thr230fs)

Gene: RASA2 (RAS p21 protein activator 2; plus strand). Cytogenetic location: 3q23.
Variant type: Insertion.
Coding change: c.687_688insG on transcript NM_006506.5 (MANE Select); coding-DNA positions 687 to 688, G inserted.
Protein change: p.Thr230fs; shifts the reading frame from threonine 230.
Molecular consequence: frameshift variant.
Genome position: GRCh38 VCF-style: chr3-141558888-A-AG. GRCh37 (hg19) VCF-style: chr3-141277730-A-AG.
Other names: c.687_688insG, p.Thr230fs (NM_001303245.3, NM_001303246.3); short protein forms T230fs.
Identifiers: ClinVar variation 2844354 (VCV002844354.3), dbSNP rs2478655247, ClinGen allele CA2739279662.